The following is an entry in ClinVar:

ClinVar aggregate classification (germline): Uncertain significance (1 of 4 stars; one submission).

Allele frequency attached by ClinVar (database versions not stated): TOPMed below 0.00001.

Submission:

GeneDx
Classification: Uncertain significance. Last evaluated: 2022-05-26. Review status: criteria provided, single submitter. Criteria: GeneDx Variant Classification Process June 2021. Collection method: clinical testing. Allele origin: germline. Affected: yes.
Comment: Not observed at significant frequency in large population cohorts (gnomAD); In silico analysis supports that this missense variant does not alter protein structure/function; Has not been previously published as pathogenic or benign to our knowledge

NM_018685.5(ANLN):c.1840G>A (p.Ala614Thr)

Gene: ANLN (anillin, actin binding protein; plus strand). Cytogenetic location: 7p14.2.
Variant type: single nucleotide variant.
Coding change: c.1840G>A on transcript NM_018685.5 (MANE Select); coding-DNA position 1840, G replaced by A.
Protein change: p.Ala614Thr; replaces alanine 614 with threonine.
Molecular consequence: missense variant.
Genome position (GRCh38, 1-based): chr7:36,419,450, G>A. VCF-style: chr7-36419450-G-A. GRCh37 (hg19) VCF-style: chr7-36459059-G-A.
Other names: c.1729G>A, p.Ala577Thr (NM_001284301.3); c.1726G>A, p.Ala576Thr (NM_001284302.3); short protein forms A576T, A577T, A614T.
Identifiers: ClinVar variation 1800872 (VCV001800872.1), dbSNP rs1241753292, ClinGen allele CA367212370.